The following is an entry in ClinVar:

NM_000875.5(IGF1R):c.*2212G>A

Gene: IGF1R (insulin like growth factor 1 receptor; plus strand). Cytogenetic location: 15q26.3.
Variant type: single nucleotide variant.
Coding change: c.*2212G>A on transcript NM_000875.5 (MANE Select); 2212 bases downstream of the stop codon, G replaced by A.
Molecular consequence: 3 prime UTR variant.
Genome position (GRCh38, 1-based): chr15:98,959,654, G>A. VCF-style: chr15-98959654-G-A. GRCh37 (hg19) VCF-style: chr15-99502883-G-A.
Other names: c.*2212G>A (NM_001291858.2).
Identifiers: ClinVar variation 885955 (VCV000885955.5), dbSNP rs79862306, ClinGen allele CA275335995.

ClinVar aggregate classification (germline): Benign. Review status: criteria provided, multiple submitters, no conflicts (2 of 4 stars). 2 submissions from 2 submitters: Benign (2). Last evaluated 2018-01-13.

Conditions:
Growth delay due to insulin-like growth factor I resistance. Also called: Somatomedin end-organ insensitivity to; Somatomedin-c resistance to; IGF-1 resistance; IGF-I RESISTANCE; Insulin-Like Growth Factor I Resistance. Identifiers: Orphanet 73273, MedGen C1849157, MONDO:0010038, OMIM 270450.

Allele frequency attached by ClinVar (database versions not stated): 1000 Genomes Project 0.00739; 1000 Genomes Project 30x 0.00765; TOPMed 0.01365; gnomAD 0.01382 and 0.01392; gnomAD exomes 0.01750.
gnomAD v4.1: 3,561 of 233,666 alleles (1.5%); highest among the groups gnomAD compares: Non-Finnish European, 2.4%; 37 homozygotes.

Submissions (2):

Illumina Laboratory Services, Illumina
Classification: Benign for Growth delay due to insulin-like growth factor I resistance. Last evaluated: 2018-01-13. Review status: criteria provided, single submitter. Criteria: ICSL Variant Classification Criteria 13 December 2019. Collection method: clinical testing. Allele origin: germline.
Comment: This variant was observed in the ICSL laboratory as part of a predisposition screen in an ostensibly healthy population. It had not been previously curated by ICSL or reported in the Human Gene Mutation Database (HGMD: prior to June 1st, 2018), and was therefore a candidate for classification through an automated scoring system. Utilizing variant allele frequency, disease prevalence and penetrance estimates, and inheritance mode, an automated score was calculated to assess if this variant is too frequent to cause the disease. Based on the score and internal cut-off values, a variant classified as benign is not then subjected to further curation. The score for this variant resulted in a classification of benign for this disease.

Breakthrough Genomics
Classification: Benign. Review status: criteria provided, single submitter. Criteria: ACMG Guidelines, 2015. Collection method: not provided. Allele origin: germline. Inheritance: Autosomal dominant inheritance. Affected: yes.